The following is an entry in ClinVar:

NM_001146.5(ANGPT1):c.784G>C (p.Val262Leu)

Gene: ANGPT1 (angiopoietin 1; minus strand). Cytogenetic location: 8q23.1.
Variant type: single nucleotide variant.
Coding change: c.784G>C on transcript NM_001146.5 (MANE Select); coding-DNA position 784, G replaced by C.
Protein change: p.Val262Leu; replaces valine 262 with leucine.
Molecular consequence: missense variant.
Genome position (GRCh38, 1-based): chr8:107,321,920, C>G on the plus strand (G>C on the coding strand, the complement: ANGPT1 is on the minus strand). VCF-style: chr8-107321920-C-G. GRCh37 (hg19) VCF-style: chr8-108334148-C-G.
Other names: c.784G>C, p.Val262Leu (NM_001199859.3); c.184G>C, p.Val62Leu (NM_001314051.2); short protein forms V62L, V262L.
Identifiers: ClinVar variation 1469782 (VCV001469782.8), dbSNP rs756614536, ClinGen allele CA4841270.
Genomic context (GRCh38, chr8:107,321,920, plus strand): 5'-ATATTAACAATACCAAAGTGAGGAAGACATTCTTACCACCTTCTTTAGTGCAAAGATTGA[C>G]AAGGTTGTGGACTGTGTCCATCAGCTCCAGTTGCTGCTTCTGAAGGACACTGTTGTTGGT-3'
Protein context (NP_001137.2, residues 252-272): LELMDTVHNL[Val262Leu]NLCTKEGVLL

ClinVar aggregate classification (germline): Uncertain significance (1 of 4 stars; one submission).

Allele frequency attached by ClinVar (database versions not stated): gnomAD exomes below 0.00001 and 0.00001; TOPMed below 0.00001; ExAC 0.00001.
gnomAD v4.1: 2 of 1,613,800 alleles (0.00012%); highest among the groups gnomAD compares: Admixed American, 0.0033%; no homozygotes.

Submission:

Labcorp Genetics (formerly Invitae), Labcorp
Classification: Uncertain significance. Last evaluated: 2021-06-30. Review status: criteria provided, single submitter. Criteria: Invitae Variant Classification Sherloc (09022015). Collection method: clinical testing. Allele origin: germline.
Comment: This sequence change replaces valine with leucine at codon 262 of the ANGPT1 protein (p.Val262Leu). The valine residue is moderately conserved and there is a small physicochemical difference between valine and leucine. This variant is present in population databases (rs756614536, ExAC 0.009%). This variant has not been reported in the literature in individuals affected with ANGPT1-related conditions. In summary, the available evidence is currently insufficient to determine the role of this variant in disease. Therefore, it has been classified as a Variant of Uncertain Significance. Algorithms developed to predict the effect of missense changes on protein structure and function (SIFT, PolyPhen-2, Align-GVGD) all suggest that this variant is likely to be tolerated.